The following is an entry in ClinVar:

ClinVar aggregate classification (germline): Uncertain significance (1 of 4 stars; one submission).

Conditions:
Proteasome-associated autoinflammatory syndrome 1 (PRAAS1). Also called: JOINT CONTRACTURES, MUSCULAR ATROPHY, MICROCYTIC ANEMIA, AND PANNICULITIS-INDUCED LIPODYSTROPHY; JMP SYNDROME; AUTOINFLAMMATION, LIPODYSTROPHY, AND DERMATOSIS SYNDROME; NAKAJO-NISHIMURA SYNDROME; CHRONIC ATYPICAL NEUTROPHILIC DERMATOSIS WITH LIPODYSTROPHY AND ELEVATED TEMPERATURE SYNDROME; Nakajo syndrome. Identifiers: Orphanet 2615, Orphanet 324977, Orphanet 324999, Orphanet 325004, MedGen C4746851, MONDO:0054698, OMIM 256040.

Submission:

Labcorp Genetics (formerly Invitae), Labcorp
Classification: Uncertain significance for Proteosome-associated autoinflammatory syndrome. Last evaluated: 2022-08-09. Review status: criteria provided, single submitter. Criteria: Invitae Variant Classification Sherloc (09022015). Collection method: clinical testing. Allele origin: germline.
Comment: This sequence change replaces aspartic acid, which is acidic and polar, with glutamic acid, which is acidic and polar, at codon 266 of the PSMB8 protein (p.Asp266Glu). This variant is not present in population databases (gnomAD no frequency). This variant has not been reported in the literature in individuals affected with PSMB8-related conditions. ClinVar contains an entry for this variant (Variation ID: 1053378). Algorithms developed to predict the effect of missense changes on protein structure and function output the following: SIFT: "Tolerated"; PolyPhen-2: "Benign"; Align-GVGD: "Class C0". The glutamic acid amino acid residue is found in multiple mammalian species, which suggests that this missense change does not adversely affect protein function. In summary, the available evidence is currently insufficient to determine the role of this variant in disease. Therefore, it has been classified as a Variant of Uncertain Significance.

NM_148919.4(PSMB8):c.798C>G (p.Asp266Glu)

Gene: PSMB8 (proteasome 20S subunit beta 8; minus strand). Cytogenetic location: 6p21.32.
Variant type: single nucleotide variant.
Coding change: c.798C>G on transcript NM_148919.4 (MANE Select); coding-DNA position 798, C replaced by G.
Protein change: p.Asp266Glu; replaces aspartic acid 266 with glutamic acid.
Molecular consequence: missense variant.
Genome position (GRCh38, 1-based): chr6:32,840,992, G>C on the plus strand (C>G on the coding strand, the complement: PSMB8 is on the minus strand). VCF-style: chr6-32840992-G-C. GRCh37 (hg19) VCF-style: chr6-32808769-G-C.
Other names: c.786C>G, p.Asp262Glu (NM_004159.5); short protein forms D262E, D266E.
Identifiers: ClinVar variation 1053378 (VCV001053378.6), dbSNP rs2127375356, ClinGen allele CA363588157.